The following is an entry in ClinVar:

ClinVar aggregate classification (germline): Pathogenic (1 of 4 stars; one submission).

Conditions:
Hereditary cancer-predisposing syndrome. Also called: Neoplastic Syndromes, Hereditary; Tumor predisposition; Hereditary Cancer Syndrome; Hereditary neoplastic syndrome. Identifiers: Orphanet 140162, MedGen C0027672, MeSH D009386, MONDO:0015356.

Submission:

Ambry Genetics
Classification: Pathogenic for Hereditary cancer-predisposing syndrome. Last evaluated: 2016-06-15. Review status: criteria provided, single submitter. Criteria: Ambry Variant Classification Scheme 2023. Collection method: clinical testing. Allele origin: germline.
Comment: The c.2392_2393delCCinsA variant, located in coding exon 9 of the BRCA1 gene, results from the deletion of two nucleotides and insertion of one nucleotide causing a translational frameshift with a predicted alternate stop codon. Since frameshifts are typically deleterious in nature, this alteration is interpreted as a disease-causing mutation (ACMG Recommendations for Standards for Interpretation and Reporting of Sequence Variations. Revision 2007. Genet Med. 2008;10:294).

NM_007294.4(BRCA1):c.2392_2393delinsA (p.Pro798fs)

Gene: BRCA1 (BRCA1 DNA repair associated; minus strand). Cytogenetic location: 17q21.31.
Variant type: Indel.
Coding change: c.2392_2393delinsA on transcript NM_007294.4 (MANE Select); coding-DNA positions 2392 to 2393, CC replaced by A.
Protein change: p.Pro798fs; shifts the reading frame from proline 798.
Molecular consequence: frameshift variant. On other transcripts: intron variant (137).
Genome position (GRCh38, 1-based): chr17:43,093,138-43,093,139, GG replaced by T on the plus strand (CC replaced by A on the coding strand, the reverse complement: BRCA1 is on the minus strand). VCF-style: chr17-43093138-GG-T. GRCh37 (hg19) VCF-style: chr17-41245155-GG-T.
Other names: c.2392_2393delinsA, p.Pro798fs (NM_001407623.1, NM_001407624.1, NM_001407625.1 and 30 more transcripts); c.2389_2390delinsA, p.Pro797fs (NM_001407627.1, NM_001407628.1, NM_001407629.1 and 22 more transcripts); c.2383_2384delinsA, p.Pro795fs (NM_001407646.1, NM_001407647.1); c.2269_2270delinsA, p.Pro757fs (NM_001407648.1, NM_001407664.1, NM_001407665.1 and 19 more transcripts); c.2266_2267delinsA, p.Pro756fs (NM_001407649.1, NM_001407670.1, NM_001407671.1 and 11 more transcripts); c.2314_2315delinsA, p.Pro772fs (NM_001407653.1, NM_001407654.1, NM_001407655.1 and 4 more transcripts); c.2311_2312delinsA, p.Pro771fs (NM_001407659.1, NM_001407660.1, NM_001407661.1 and 1 more transcripts); c.2251_2252delinsA, p.Pro751fs (NM_001407692.1, NM_001407694.1, NM_001407695.1 and 29 more transcripts); and 41 more; short protein forms P798fs, P751fs, P686fs, P709fs, P730fs, P771fs, P630fs, P671fs.
Identifiers: ClinVar variation 482912 (VCV000482912.6), dbSNP rs80357850, ClinGen allele CA658656696.